The following is an entry in ClinVar:

ClinVar aggregate classification (germline): Uncertain significance (1 of 4 stars; one submission).

Submission:

Labcorp Genetics (formerly Invitae), Labcorp
Classification: Uncertain significance. Last evaluated: 2022-09-03. Review status: criteria provided, single submitter. Criteria: Invitae Variant Classification Sherloc (09022015). Collection method: clinical testing. Allele origin: germline.
Comment: In summary, the available evidence is currently insufficient to determine the role of this variant in disease. Therefore, it has been classified as a Variant of Uncertain Significance. This variant has not been reported in the literature in individuals affected with IDH3B-related conditions. This variant is a gross deletion of the genomic region encompassing exon(s) 1-2 of the IDH3B gene, which includes the initiator codon. This deletion extends beyond the assayed region for this gene and therefore may encompass additional genes. It is expected to result in an absent or disrupted protein product. However, the current clinical and genetic evidence is not sufficient to establish whether loss-of-function variants in IDH3B cause disease.

NC_000020.10:g.(?_2644551)_(2644834_?)del

Gene: IDH3B (isocitrate dehydrogenase (NAD(+)) 3 non-catalytic subunit beta; minus strand). Cytogenetic location: 20p13.
Variant type: Deletion.
Identifiers: ClinVar variation 1444234 (VCV001444234.5).